The following is an entry in ClinVar:

ClinVar aggregate classification (germline): Uncertain significance (1 of 4 stars; one submission).

Conditions:
Pityriasis rubra pilaris (PRP). Also called: Pityriasis rubra pilaris--familial type. Identifiers: Orphanet 2897, MedGen C0032027, MONDO:0100017, OMIM 173200, MONDO:0008251.
Psoriasis 2. Identifiers: MedGen C1864497, MONDO:0011269, OMIM 602723.

gnomAD v4.1: 21 of 1,612,874 alleles (0.0013%); highest among the groups gnomAD compares: African/African-American, 0.024%; no homozygotes.

Submission:

Labcorp Genetics (formerly Invitae), Labcorp
Classification: Uncertain significance for Pityriasis rubra pilaris; Psoriasis 2. Last evaluated: 2024-08-23. Review status: criteria provided, single submitter. Criteria: Invitae Variant Classification Sherloc (09022015). Collection method: clinical testing. Allele origin: germline.
Comment: This sequence change replaces glycine, which is neutral and non-polar, with glutamic acid, which is acidic and polar, at codon 511 of the CARD14 protein (p.Gly511Glu). This variant is present in population databases (rs749289047, gnomAD 0.02%). This variant has not been reported in the literature in individuals affected with CARD14-related conditions. Invitae Evidence Modeling of protein sequence and biophysical properties (such as structural, functional, and spatial information, amino acid conservation, physicochemical variation, residue mobility, and thermodynamic stability) indicates that this missense variant is not expected to disrupt CARD14 protein function with a negative predictive value of 80%. In summary, the available evidence is currently insufficient to determine the role of this variant in disease. Therefore, it has been classified as a Variant of Uncertain Significance.

NM_001366385.1(CARD14):c.1532G>A (p.Gly511Glu)

Gene: CARD14 (caspase recruitment domain family member 14; plus strand). Cytogenetic location: 17q25.3.
Variant type: single nucleotide variant.
Coding change: c.1532G>A on transcript NM_001366385.1 (MANE Select); coding-DNA position 1532, G replaced by A.
Protein change: p.Gly511Glu; replaces glycine 511 with glutamic acid.
Molecular consequence: missense variant. On other transcripts: non-coding transcript variant (1).
Genome position (GRCh38, 1-based): chr17:80,195,590, G>A. VCF-style: chr17-80195590-G-A. GRCh37 (hg19) VCF-style: chr17-78169389-G-A.
Other names: c.1532G>A, p.Gly511Glu (NM_001257970.1, NM_024110.4); c.821G>A, p.Gly274Glu (NM_052819.3); short protein forms G274E, G511E.
Identifiers: ClinVar variation 3760756 (VCV003760756.2).